The following is an entry in ClinVar:

ClinVar aggregate classification (germline): Conflicting classifications of pathogenicity. Review status: criteria provided, conflicting classifications (1 of 4 stars). 3 submissions from 3 submitters: Uncertain significance (2); Likely benign (1). Last evaluated 2025-08-29.

Conditions:
Hypertrophic cardiomyopathy 1 (CMH1). Also called: Familial hypertrophic cardiomyopathy 1; MYH7-Related Familial Hypertrophic Cardiomyopathy. Identifiers: MedGen C3495498, MONDO:0008647, OMIM 192600.

Allele frequency attached by ClinVar (database versions not stated): gnomAD 0.00005 and 0.00006; ExAC 0.00006; TOPMed 0.00006; gnomAD exomes 0.00008 and 0.00012.
gnomAD v4.1: 185 of 1,614,032 alleles (0.011%); highest among the groups gnomAD compares: Non-Finnish European, 0.015%; no homozygotes.

Submissions (3):

Labcorp Genetics (formerly Invitae), Labcorp
Classification: Uncertain significance for Hypertrophic cardiomyopathy 1. Last evaluated: 2025-08-29. Review status: criteria provided, single submitter. Criteria: Invitae Variant Classification Sherloc (09022015). Collection method: clinical testing. Allele origin: germline.
Comment: This sequence change replaces aspartic acid, which is acidic and polar, with asparagine, which is neutral and polar, at codon 375 of the MYLK2 protein (p.Asp375Asn). This variant is present in population databases (rs397517472, gnomAD 0.02%). This missense change has been observed in individual(s) with dilated cardiomyopathy (PMID: 24503780, 27532257). ClinVar contains an entry for this variant (Variation ID: 46519). Invitae Evidence Modeling of protein sequence and biophysical properties (such as structural, functional, and spatial information, amino acid conservation, physicochemical variation, residue mobility, and thermodynamic stability) indicates that this missense variant is not expected to disrupt MYLK2 protein function with a negative predictive value of 80%. In summary, the available evidence is currently insufficient to determine the role of this variant in disease. Therefore, it has been classified as a Variant of Uncertain Significance.

GeneDx
Classification: Likely benign. Last evaluated: 2021-03-23. Review status: criteria provided, single submitter. Criteria: GeneDx Variant Classification Process June 2021. Collection method: clinical testing. Allele origin: germline. Affected: yes.
Comment: In silico analysis supports that this missense variant does not alter protein structure/function; This variant is associated with the following publications: (PMID: 27532257, 24503780)

Laboratory for Molecular Medicine, Mass General Brigham Personalized Medicine
Classification: Uncertain significance. Last evaluated: 2015-03-30. Review status: criteria provided, single submitter. Criteria: LMM Criteria. Collection method: clinical testing. Allele origin: germline. Observed: 2 variant alleles.
Comment: Variant classified as Uncertain Significance - Favor Benign. This variant has been identified in 7/66650 European chromosomes by the Exome Aggregation Consortium (ExAC; dbSNP rs397517472 ). Aspartic acid (Asp) at position 375 is not conserved in evolutionarily distan t species, and 2 reptiles along with >10 fish species carry an asparagine (Asn) at this position. Additional computational prediction tools suggest that this va riant may not impact the protein, though this information is not predictive enou gh to rule out pathogenicity. In summary, while the clinical significance of the p.Asp375Asn variant is uncertain, the presence of the variant amino acid in mul tiple other species suggests that it is more likely to be benign.

Literature cited by the submitters: PubMed 24503780 (cited by Labcorp Genetics (formerly Invitae), Labcorp); PubMed 27532257 (cited by Labcorp Genetics (formerly Invitae), Labcorp).

NM_033118.4(MYLK2):c.1123G>A (p.Asp375Asn)

Gene: MYLK2 (myosin light chain kinase 2; plus strand). Cytogenetic location: 20q11.21.
Variant type: single nucleotide variant.
Coding change: c.1123G>A on transcript NM_033118.4 (MANE Select); coding-DNA position 1123, G replaced by A.
Protein change: p.Asp375Asn; replaces aspartic acid 375 with asparagine.
Molecular consequence: missense variant.
Genome position (GRCh38, 1-based): chr20:31,826,837, G>A. VCF-style: chr20-31826837-G-A. GRCh37 (hg19) VCF-style: chr20-30414640-G-A.
Other names: short protein forms D375N.
Identifiers: ClinVar variation 46519 (VCV000046519.26), dbSNP rs397517472, ClinGen allele CA138514.